The following is an entry in ClinVar:

NM_003504.5(CDC45):c.1279C>T (p.Gln427Ter)

Gene: CDC45 (cell division cycle 45; plus strand). Cytogenetic location: 22q11.21.
Variant type: single nucleotide variant.
Coding change: c.1279C>T on transcript NM_003504.5 (MANE Select); coding-DNA position 1279, C replaced by T.
Protein change: p.Gln427Ter; replaces glutamine 427 with a stop codon.
Molecular consequence: nonsense.
Genome position (GRCh38, 1-based): chr22:19,514,810, C>T. VCF-style: chr22-19514810-C-T. GRCh37 (hg19) VCF-style: chr22-19502333-C-T.
Other names: c.1375C>T, p.Gln459Ter (NM_001178010.2); c.1141C>T, p.Gln381Ter (NM_001178011.2); c.1243C>T, p.Gln415Ter (NM_001369291.1); short protein forms Q459*, Q381*, Q415*, Q427*.
Identifiers: ClinVar variation 2780452 (VCV002780452.3), dbSNP rs2517676690, ClinGen allele CA410668533.

ClinVar aggregate classification (germline): Pathogenic (1 of 4 stars; one submission).

Submission:

Labcorp Genetics (formerly Invitae), Labcorp
Classification: Pathogenic. Last evaluated: 2024-09-06. Review status: criteria provided, single submitter. Criteria: Invitae Variant Classification Sherloc (09022015). Collection method: clinical testing. Allele origin: germline.
Comment: This sequence change creates a premature translational stop signal (p.Gln459*) in the CDC45 gene. It is expected to result in an absent or disrupted protein product. Loss-of-function variants in CDC45 are known to be pathogenic (PMID: 27374770, 30986546). This variant is not present in population databases (gnomAD no frequency). This premature translational stop signal has been observed in individual(s) with autism (PMID: 28191889). This variant is also known as c.1279C>T. For these reasons, this variant has been classified as Pathogenic.

Literature cited by the submitters: PubMed 27374770; PubMed 30986546; PubMed 28191889.